The following is an entry in ClinVar:

NM_007294.4(BRCA1):c.1355T>A (p.Val452Glu)

Gene: BRCA1 (BRCA1 DNA repair associated; minus strand). Cytogenetic location: 17q21.31.
Variant type: single nucleotide variant.
Coding change: c.1355T>A on transcript NM_007294.4 (MANE Select); coding-DNA position 1355, T replaced by A.
Protein change: p.Val452Glu; replaces valine 452 with glutamic acid.
Molecular consequence: missense variant. On other transcripts: intron variant (137).
Genome position (GRCh38, 1-based): chr17:43,094,176, A>T on the plus strand (T>A on the coding strand, the complement: BRCA1 is on the minus strand). VCF-style: chr17-43094176-A-T. GRCh37 (hg19) VCF-style: chr17-41246193-A-T.
Other names: c.1142T>A, p.Val381Glu (NM_001407571.1, NM_001407853.1, NM_001407894.1 and 9 more transcripts); c.1355T>A, p.Val452Glu (NM_001407581.1, NM_001407582.1, NM_001407583.1 and 30 more transcripts); c.1352T>A, p.Val451Glu (NM_001407587.1, NM_001407590.1, NM_001407591.1 and 22 more transcripts); c.1346T>A, p.Val449Glu (NM_001407646.1, NM_001407647.1); c.1232T>A, p.Val411Glu (NM_001407648.1, NM_001407664.1, NM_001407665.1 and 19 more transcripts); c.1229T>A, p.Val410Glu (NM_001407649.1, NM_001407670.1, NM_001407671.1 and 11 more transcripts); c.1277T>A, p.Val426Glu (NM_001407653.1, NM_001407654.1, NM_001407655.1 and 4 more transcripts); c.1274T>A, p.Val425Glu (NM_001407659.1, NM_001407660.1, NM_001407661.1 and 1 more transcripts); and 40 more; short protein forms V156E, V284E, V363E, V364E, V381E, V411E, V449E, V452E.
Identifiers: ClinVar variation 1770692 (VCV001770692.4), dbSNP rs878854932, ClinGen allele CA10599340.
Genomic context (GRCh38, chr17:43,094,176, plus strand): 5'-GGGAGGCTTGCCTTCTTCCGATAGGTTTTCCCAAATATTTTGTCTTCAATATTACTCTCT[A>T]CTGATTTGGAGTGAACTCTTTCACTTTTACATATTAAAGCCTCATGAGGATCACTGGCCA-3'
Protein context (NP_009225.1, residues 442-462): CKSERVHSKS[Val452Glu]ESNIEDKIFG

ClinVar aggregate classification (germline): Conflicting classifications of pathogenicity. Review status: criteria provided, conflicting classifications (1 of 4 stars). 2 submissions from 2 submitters: Uncertain significance (1); Likely benign (1). Last evaluated 2023-03-23.

Conditions:
Hereditary cancer-predisposing syndrome. Also called: Hereditary Cancer Syndrome; Hereditary neoplastic syndrome; Neoplastic Syndromes, Hereditary; Tumor predisposition. Identifiers: Orphanet 140162, MedGen C0027672, MeSH D009386, MONDO:0015356.

Submissions (2):

University of Washington Department of Laboratory Medicine, University of Washington
Classification: Likely benign for Hereditary cancer-predisposing syndrome. Last evaluated: 2023-03-23. Review status: criteria provided, single submitter. Criteria: Dines et al. (Genet Med. 2020). Collection method: curation. Allele origin: germline.
Comment: Missense variant in a coldspot region where missense variants are very unlikely to be pathogenic (PMID:31911673).

BRCA1 coldspot (exon 11 using historical exon numbering). Reclassification based on statistical prior probability

Ambry Genetics
Classification: Uncertain significance for Hereditary cancer-predisposing syndrome. Last evaluated: 2021-10-31. Review status: criteria provided, single submitter. Criteria: Ambry Variant Classification Scheme 2023. Collection method: clinical testing. Allele origin: germline.
Comment: The p.V452E variant (also known as c.1355T>A), located in coding exon 9 of the BRCA1 gene, results from a T to A substitution at nucleotide position 1355. The valine at codon 452 is replaced by glutamic acid, an amino acid with dissimilar properties. This amino acid position is conserved. In addition, the in silico prediction for this alteration is inconclusive. Since supporting evidence is limited at this time, the clinical significance of this alteration remains unclear.